The following is an entry in ClinVar:

ClinVar aggregate classification (germline): Uncertain significance (1 of 4 stars; one submission).

Submission:

Women's Health and Genetics/Laboratory Corporation of America, LabCorp
Classification: Uncertain significance. Last evaluated: 2022-08-18. Review status: criteria provided, single submitter. Criteria: LabCorp Variant Classification Summary - May 2015. Collection method: clinical testing. Allele origin: germline.
Comment: Variant summary: ALDH3A2 c.154-6_154-2delTAACA alters a non-conserved nucleotide located close to a canonical splice site and therefore could affect mRNA splicing, leading to a significantly altered protein sequence. Several computational tools predict a significant impact on normal splicing: One predict the variant abolishes a 3' acceptor site. One predict the variant weakens a 3' acceptor site. One predict the variant creates a cryptic 3' acceptor site. However, these predictions have yet to be confirmed by functional studies. The variant was absent in 251336 control chromosomes. The available data on variant occurrences in the general population are insufficient to allow any conclusion about variant significance. To our knowledge, no occurrence of c.154-6_154-2delTAACA in individuals affected with Sjogren-Larsson Syndrome and no experimental evidence demonstrating its impact on protein function have been reported. No clinical diagnostic laboratories have submitted clinical-significance assessments for this variant to ClinVar after 2014. Based on the evidence outlined above, the variant was classified as uncertain significance.

NM_000382.3(ALDH3A2):c.154-6_154-2del

Gene: ALDH3A2 (aldehyde dehydrogenase 3 family member A2; plus strand). Cytogenetic location: 17p11.2.
Variant type: Deletion.
Coding change: c.154-6_154-2del on transcript NM_000382.3 (MANE Select); 6 bases into the intron before coding-DNA position 154 through the canonical splice acceptor site of the intron before coding-DNA position 154, 5 bases deleted (TAACA; older notation c.154-6_154-2delTAACA).
Molecular consequence: splice acceptor variant.
Genome position (GRCh38, 1-based): chr17:19,651,541-19,651,545, TAACA deleted; deleting any 5 consecutive bases within chr17:19,651,540-19,651,545 gives the same sequence; the c. name uses the placement nearest the transcript's 3' end. VCF-style (leftmost placement, unchanged base first): chr17-19651539-TATAAC-T. GRCh37 (hg19) VCF-style: chr17-19554852-TATAAC-T.
Other names: c.-535-6_-535-2del (NM_001369148.2); c.154-6_154-2del (NM_001369137.2, NM_001369138.2, NM_001369146.2 and 3 more transcripts).
Identifiers: ClinVar variation 1705125 (VCV001705125.1), dbSNP rs2544356647, ClinGen allele CA2580092698.